The following is an entry in ClinVar:

NM_004655.4(AXIN2):c.1972A>T (p.Ser658Cys)

Gene: AXIN2 (axin 2; minus strand). Cytogenetic location: 17q24.1.
Variant type: single nucleotide variant.
Coding change: c.1972A>T on transcript NM_004655.4 (MANE Select); coding-DNA position 1972, A replaced by T.
Protein change: p.Ser658Cys; replaces serine 658 with cysteine.
Molecular consequence: missense variant.
Genome position (GRCh38, 1-based): chr17:65,536,489, T>A on the plus strand (A>T on the coding strand, the complement: AXIN2 is on the minus strand). VCF-style: chr17-65536489-T-A. GRCh37 (hg19) VCF-style: chr17-63532607-T-A.
Other names: c.1972A>T (LRG_296t1); c.1777A>T, p.Ser593Cys (NM_001363813.1); short protein forms S658C, S593C.
Identifiers: ClinVar variation 579503 (VCV000579503.13), dbSNP rs1567754376, ClinGen allele CA400676231.

ClinVar aggregate classification (germline): Uncertain significance. Review status: criteria provided, multiple submitters, no conflicts (2 of 4 stars). 4 submissions from 4 submitters: Uncertain significance (4). Last evaluated 2025-04-28.

Conditions:
Oligodontia-cancer predisposition syndrome. Also called: TOOTH AGENESIS-COLORECTAL CANCER SYNDROME. Identifiers: Orphanet 300576, MedGen C1837750, MONDO:0012075, OMIM 608615. Disease mechanism: loss of function.
Hereditary cancer-predisposing syndrome. Also called: Neoplastic Syndromes, Hereditary; Tumor predisposition; Hereditary neoplastic syndrome; Hereditary Cancer Syndrome. Identifiers: Orphanet 140162, MedGen C0027672, MeSH D009386, MONDO:0015356.
Craniosynostosis syndrome. Also called: Craniosynostosis. Identifiers: Orphanet 1531, MedGen C0010278, MeSH D003398, MONDO:0015469, HP:0001363.

Submissions (4):

Labcorp Genetics (formerly Invitae), Labcorp
Classification: Uncertain significance for Oligodontia-cancer predisposition syndrome. Last evaluated: 2025-04-28. Review status: criteria provided, single submitter. Criteria: Invitae Variant Classification Sherloc (09022015). Collection method: clinical testing. Allele origin: germline.
Comment: This sequence change replaces serine, which is neutral and polar, with cysteine, which is neutral and slightly polar, at codon 658 of the AXIN2 protein (p.Ser658Cys). This variant is not present in population databases (gnomAD no frequency). This variant has not been reported in the literature in individuals affected with AXIN2-related conditions. ClinVar contains an entry for this variant (Variation ID: 579503). Invitae Evidence Modeling of protein sequence and biophysical properties (such as structural, functional, and spatial information, amino acid conservation, physicochemical variation, residue mobility, and thermodynamic stability) indicates that this missense variant is not expected to disrupt AXIN2 protein function with a negative predictive value of 80%. In summary, the available evidence is currently insufficient to determine the role of this variant in disease. Therefore, it has been classified as a Variant of Uncertain Significance.

Ambry Genetics
Classification: Uncertain significance for Hereditary cancer-predisposing syndrome. Last evaluated: 2024-10-24. Review status: criteria provided, single submitter. Criteria: Ambry Variant Classification Scheme 2023. Collection method: clinical testing. Allele origin: germline.
Comment: The p.S658C variant (also known as c.1972A>T), located in coding exon 7 of the AXIN2 gene, results from an A to T substitution at nucleotide position 1972. The serine at codon 658 is replaced by cysteine, an amino acid with dissimilar properties. This amino acid position is not well conserved in available vertebrate species. In addition, this alteration is predicted to be tolerated by in silico analysis. Since supporting evidence is limited at this time, the clinical significance of this alteration remains unclear.

Sema4
Classification: Uncertain significance for Hereditary cancer-predisposing syndrome. Last evaluated: 2022-02-24. Review status: criteria provided, single submitter. Criteria: Sema4 Curation Guidelines. Collection method: curation. Allele origin: germline.
Comment: To the best of our knowledge, the AXIN2 c.1972A>T (p.S658C) variant has not been reported in individuals with AXIN2-related disease. It was not observed in the large and broad cohorts of the Genome Aggregation Database (PMID: 32461654). This variant has been reported in ClinVar (Variation ID 579503). In silico tools suggest the impact of the variant on protein function is benign though these predictions have not been confirmed by functional studies. The evidence is insufficient to meet ACMG/AMP criteria for classifying the variant as benign or pathogenic. Thus, the clinical significance of this variant is currently uncertain.

Klinisk genetik och genomik Research, Gothenburg University
Classification: Uncertain significance for Craniosynostosis syndrome. Last evaluated: 2021-03-29. Review status: criteria provided, single submitter. Criteria: ACMG Guidelines, 2015. Collection method: research. Allele origin: germline. Affected: yes. Observed: 1 variant allele.